The following is an entry in ClinVar:

ClinVar aggregate classification (germline): Likely pathogenic (1 of 4 stars; one submission).

Conditions:
Dilated cardiomyopathy 1G (CMD1G). Identifiers: Orphanet 154, MedGen C1858763, MONDO:0011400, OMIM 604145.
Autosomal recessive limb-girdle muscular dystrophy type 2J (LGMDR10). Also called: MUSCULAR DYSTROPHY, LIMB-GIRDLE, AUTOSOMAL RECESSIVE 10; Limb-girdle muscular dystrophy, type 2J. Identifiers: Orphanet 140922, MedGen C1837342, MONDO:0012127, OMIM 608807.

Submission:

Labcorp Genetics (formerly Invitae), Labcorp
Classification: Likely pathogenic for Dilated cardiomyopathy 1G; Autosomal recessive limb-girdle muscular dystrophy type 2J. Last evaluated: 2021-03-10. Review status: criteria provided, single submitter. Criteria: Invitae Variant Classification Sherloc (09022015). Collection method: clinical testing. Allele origin: germline.
Comment: This variant is located in the A band of TTN (PMID: 25589632). Truncating variants in this region are significantly overrepresented in patients affected with dilated cardiomyopathy (PMID: 25589632). Truncating variants in this region have also been reported in individuals affected with autosomal recessive centronuclear myopathy (PMID: 23975875). In summary, the currently available evidence indicates that the variant is pathogenic, but additional data are needed to prove that conclusively. Therefore, this variant has been classified as Likely Pathogenic. This sequence change creates a premature translational stop signal (p.Pro15860Glnfs*5) in the TTN gene. While this is not anticipated to result in nonsense mediated decay, it is expected to create a truncated TTN protein. This variant is not present in population databases (ExAC no frequency). This variant has not been reported in the literature in individuals with TTN-related conditions.

Literature cited by the submitters: PubMed 25589632; PubMed 23975875.

NM_001267550.2(TTN):c.47579del (p.Pro15860fs)

Genes: TTN-AS1 (TTN antisense RNA 1; plus strand), TTN (titin; minus strand). Cytogenetic location: 2q31.2.
Variant type: Deletion.
Coding change: c.47579del on transcript NM_001267550.2 (MANE Select); coding-DNA position 47579, one base deleted (C; older notation c.47579delC).
Protein change: p.Pro15860fs; shifts the reading frame from proline 15860.
Molecular consequence: frameshift variant.
Genome position (GRCh38, 1-based): chr2:178,617,506, G deleted on the plus strand (C on the coding strand, the reverse complement: TTN is on the minus strand); the first of 2 consecutive G bases (chr2:178,617,506-178,617,507); deleting either gives the same sequence. VCF-style (leftmost placement, unchanged base first): chr2-178617505-TG-T. GRCh37 (hg19) VCF-style: chr2-179482232-TG-T.
Other names: c.42656del, p.Pro14219fs (NM_001256850.1); c.20384del, p.Pro6795fs (NM_003319.4); c.39875del, p.Pro13292fs (NM_133378.4); c.20759del, p.Pro6920fs (NM_133432.3); c.20960del, p.Pro6987fs (NM_133437.4); short protein forms P6987fs, P14219fs, P6920fs, P15860fs, P6795fs, P13292fs.
Identifiers: ClinVar variation 1475756 (VCV001475756.8), dbSNP rs2154208767, ClinGen allele CA2573133831.